The following is an entry in ClinVar:

ClinVar aggregate classification (germline): Uncertain significance (1 of 4 stars; one submission).

Conditions:
Inborn genetic diseases. Identifiers: MedGen C0950123, MeSH D030342.

Submission:

Ambry Genetics
Classification: Uncertain significance for Inborn genetic diseases. Last evaluated: 2025-06-25. Review status: criteria provided, single submitter. Criteria: Ambry Variant Classification Scheme 2023. Collection method: clinical testing. Allele origin: germline.
Comment: The p.P155S variant (also known as c.463C>T), located in coding exon 2 of the KDM1A gene, results from a C to T substitution at nucleotide position 463. The proline at codon 155 is replaced by serine, an amino acid with similar properties. This amino acid position is conserved. In addition, this alteration is predicted to be tolerated by in silico analysis. Based on the available evidence, the clinical significance of this variant remains unclear.

NM_001009999.3(KDM1A):c.463C>T (p.Pro155Ser)

Gene: KDM1A (lysine demethylase 1A; plus strand). Cytogenetic location: 1p36.12.
Variant type: single nucleotide variant.
Coding change: c.463C>T on transcript NM_001009999.3 (MANE Select); coding-DNA position 463, C replaced by T.
Protein change: p.Pro155Ser; replaces proline 155 with serine.
Molecular consequence: missense variant.
Genome position (GRCh38, 1-based): chr1:23,030,580, C>T. VCF-style: chr1-23030580-C-T. GRCh37 (hg19) VCF-style: chr1-23357073-C-T.
Other names: c.463C>T, p.Pro155Ser (NM_001363654.2, NM_001410762.1, NM_001410763.1 and 1 more transcripts); short protein forms P155S.
Identifiers: ClinVar variation 4091033 (VCV004091033.1).
Genomic context (GRCh38, chr1:23,030,580, plus strand): 5'-TATTATTCAGAAGAAGAGAGAAATGCCAAAGCAGAGAAGGAAAAGAAGCTTCCCCCACCA[C>T]CCCCTCAAGCCCCACCTGAGGAAGAAAATGAAAGTGAGCCTGAAGAACCATCGGGTGAGT-3'
Protein context (NP_001009999.1, residues 145-165): AEKEKKLPPP[Pro155Ser]PQAPPEEENE